The following is an entry in ClinVar:

NM_000321.3(RB1):c.2747T>C (p.Met916Thr)

Gene: RB1 (RB transcriptional corepressor 1; plus strand). Cytogenetic location: 13q14.2.
Variant type: single nucleotide variant.
Coding change: c.2747T>C on transcript NM_000321.3 (MANE Select); coding-DNA position 2747, T replaced by C.
Protein change: p.Met916Thr; replaces methionine 916 with threonine.
Molecular consequence: missense variant. On other transcripts: synonymous variant (1).
Genome position (GRCh38, 1-based): chr13:48,480,031, T>C. VCF-style: chr13-48480031-T-C. GRCh37 (hg19) VCF-style: chr13-49054167-T-C.
Other names: c.2766T>C, p.Asn922= (NM_001407165.1); c.197T>C, p.Met66Thr (NM_001407168.1); short protein forms M66T, M916T.
Identifiers: ClinVar variation 3073759 (VCV003073759.1), dbSNP rs2138364472, ClinGen allele CA388158390.
Genomic context (GRCh38, chr13:48,480,031, plus strand): 5'-GTTAACAGTTCTTCATCCTTTTTCCAGCTTCTACTCGAACACGAATGCAAAAGCAGAAAA[T>C]GAATGATAGCATGGATACCTCAAACAAGGAAGAGAAATGAGGATCTCAGGACCTTGGTGG-3'
Protein context (NP_000312.2, residues 906-926): STRTRMQKQK[Met916Thr]NDSMDTSNKE

ClinVar aggregate classification (germline): Uncertain significance (1 of 4 stars; one submission).

Conditions:
Retinoblastoma (RB1). Also called: RETINOBLASTOMA, SOMATIC. Identifiers: Orphanet 790, MedGen C0035335, MeSH D012175, MONDO:0008380, OMIM 180200, HP:0009919. Disease mechanism: loss of function. Inheritance: Both sporadic and heritable forms are tested..

Allele frequency attached by ClinVar (database versions not stated): gnomAD exomes below 0.00001.
gnomAD v4.1: 1 of 1,613,460 alleles (0.000062%); highest among the groups gnomAD compares: Non-Finnish European, 0.000085%; no homozygotes.

Submission:

All of Us Research Program, National Institutes of Health
Classification: Uncertain significance for Retinoblastoma. Last evaluated: 2023-10-06. Review status: criteria provided, single submitter. Criteria: ACMG Guidelines, 2015. Collection method: clinical testing. Allele origin: germline. Inheritance: Autosomal dominant inheritance. Observed: 1 variant allele, 1 heterozygote.
Comment: This missense variant replaces methionine with threonine at codon 916 of the RB1 protein. Computational prediction suggests that this variant may not impact protein structure and function (internally defined REVEL score threshold <= 0.5, PMID: 27666373). To our knowledge, functional studies have not been reported for this variant. This variant has not been reported in individuals affected with RB1-related disorders in the literature. This variant has not been identified in the general population by the Genome Aggregation Database (gnomAD). The available evidence is insufficient to determine the role of this variant in disease conclusively. Therefore, this variant is classified as a Variant of Uncertain Significance.

This study involves interpretation of variants in research participants for the purpose of population health screening. Participant phenotype was not available at the time of variant classification. Additional details can be found in publication PMID: 35346344, PMCID: PMC8962531